The following is an entry in ClinVar:

ClinVar aggregate classification (germline): Conflicting classifications of pathogenicity. Review status: criteria provided, conflicting classifications (1 of 4 stars). 6 submissions from 6 submitters: Uncertain significance (3); Likely benign (3). Last evaluated 2025-02-11.

Conditions:
Bethlem myopathy 1A. Also called: Bethlem myopathy 1; Bethlem Muscular Dystrophy; MYOPATHY, BENIGN CONGENITAL, WITH CONTRACTURES. Identifiers: Orphanet 610, MedGen CN029274, MONDO:0024530, OMIM 158810.
Inborn genetic diseases. Identifiers: MedGen C0950123, MeSH D030342.
Collagen 6-related myopathy. Identifiers: MedGen CN117976, MONDO:0100225.

Allele frequency attached by ClinVar (database versions not stated): TOPMed 0.00005; gnomAD exomes 0.00006; gnomAD 0.00008 and 0.00009; ExAC 0.00010; 1000 Genomes Project 30x 0.00016; 1000 Genomes Project 0.00020; ESP Exome Variant Server 0.00031.
gnomAD v4.1: 98 of 1,614,034 alleles (0.0061%); highest among the groups gnomAD compares: Middle Eastern, 0.082%; no homozygotes.

Submissions (6):

Labcorp Genetics (formerly Invitae), Labcorp
Classification: Likely benign for Bethlem myopathy 1A. Last evaluated: 2025-02-11. Review status: criteria provided, single submitter. Criteria: Invitae Variant Classification Sherloc (09022015). Collection method: clinical testing. Allele origin: germline.

Revvity Omics, Revvity
Classification: Uncertain significance. Last evaluated: 2024-03-27. Review status: criteria provided, single submitter. Criteria: ACMG Guidelines, 2015. Collection method: clinical testing. Allele origin: germline.

Ambry Genetics
Classification: Likely benign for Inborn genetic diseases. Last evaluated: 2023-10-13. Review status: criteria provided, single submitter. Criteria: Ambry Variant Classification Scheme 2023. Collection method: clinical testing. Allele origin: germline.

Blueprint Genetics
Classification: Uncertain significance. Last evaluated: 2022-04-11. Review status: criteria provided, single submitter. Criteria: ACMG Guidelines, 2015. Collection method: clinical testing. Allele origin: germline.

Illumina Laboratory Services, Illumina
Classification: Likely benign for Collagen VI-related myopathy. Last evaluated: 2018-01-12. Review status: criteria provided, single submitter. Criteria: ICSL Variant Classification Criteria 13 December 2019. Collection method: clinical testing. Allele origin: germline.
Comment: This variant was observed in the ICSL laboratory as part of a predisposition screen in an ostensibly healthy population. It had not been previously curated by ICSL or reported in the Human Gene Mutation Database (HGMD: prior to June 1st, 2018), and was therefore a candidate for classification through an automated scoring system. Utilizing variant allele frequency, disease prevalence and penetrance estimates, and inheritance mode, an automated score was calculated to assess if this variant is too frequent to cause the disease. Based on the score and internal cut-off values, a variant classified as likely benign is not then subjected to further curation. The score for this variant resulted in a classification of likely benign for this disease.

Eurofins Ntd Llc (ga)
Classification: Uncertain significance. Last evaluated: 2016-02-04. Review status: criteria provided, single submitter. Criteria: EGL Classification Definitions 2015. Collection method: clinical testing. Allele origin: germline. Observed: 1 variant allele, 1 heterozygote.

NM_004369.4(COL6A3):c.9394C>T (p.Pro3132Ser)

Genes: COL6A3 (collagen type VI alpha 3 chain; minus strand), LOC126806573 (CDK7 strongly-dependent group 2 enhancer GRCh37_chr2:238233151-238234350; plus strand). Cytogenetic location: 2q37.3.
Variant type: single nucleotide variant.
Coding change: c.9394C>T on transcript NM_004369.4 (MANE Select); coding-DNA position 9394, C replaced by T.
Protein change: p.Pro3132Ser; replaces proline 3132 with serine.
Molecular consequence: missense variant.
Genome position (GRCh38, 1-based): chr2:237,325,659, G>A on the plus strand (C>T on the coding strand, the complement: COL6A3 is on the minus strand). VCF-style: chr2-237325659-G-A. GRCh37 (hg19) VCF-style: chr2-238234302-G-A.
Other names: c.7573C>T, p.Pro2525Ser (NM_057166.5); c.8776C>T, p.Pro2926Ser (NM_057167.4); short protein forms P3132S, P2525S, P2926S.
Identifiers: ClinVar variation 286022 (VCV000286022.19), dbSNP rs147533489, ClinGen allele CA2187278.